The following is an entry in ClinVar:

NM_015122.3(FCHO1):c.2357C>T (p.Thr786Met)

Gene: FCHO1 (FCH and mu domain containing endocytic adaptor 1; plus strand). Cytogenetic location: 19p13.11.
Variant type: single nucleotide variant.
Coding change: c.2357C>T on transcript NM_015122.3 (MANE Select); coding-DNA position 2357, C replaced by T.
Protein change: p.Thr786Met; replaces threonine 786 with methionine.
Molecular consequence: missense variant. On other transcripts: non-coding transcript variant (35), intron variant (5).
Genome position (GRCh38, 1-based): chr19:17,784,855, C>T. VCF-style: chr19-17784855-C-T. GRCh37 (hg19) VCF-style: chr19-17895664-C-T.
Other names: c.2357C>T, p.Thr786Met (NM_001161357.2, NM_001161358.2, NM_001384370.1 and 11 more transcripts); c.2207C>T, p.Thr736Met (NM_001161359.2, NM_001384384.1, NM_001384385.1 and 1 more transcripts); c.2336C>T, p.Thr779Met (NM_001384387.1); c.2318C>T, p.Thr773Met (NM_001384388.1, NM_001384389.1); c.2282C>T, p.Thr761Met (NM_001384390.1); c.2240C>T, p.Thr747Met (NM_001384392.1, NM_001384393.1, NM_001384394.1 and 1 more transcripts); c.2081C>T, p.Thr694Met (NM_001384396.1, NM_001384397.1, NM_001384398.1 and 4 more transcripts); c.2036C>T, p.Thr679Met (NM_001384403.1); and 6 more; short protein forms T679M, T747M, T773M, T694M, T736M, T786M, T761M, T779M.
Identifiers: ClinVar variation 1405277 (VCV001405277.6), dbSNP rs753249852, ClinGen allele CA9300847.

ClinVar aggregate classification (germline): Uncertain significance. Review status: criteria provided, multiple submitters, no conflicts (2 of 4 stars). 2 submissions from 2 submitters: Uncertain significance (2). Last evaluated 2025-05-05.

Allele frequency attached by ClinVar (database versions not stated): TOPMed 0.00006; gnomAD exomes 0.00012 and 0.00005; gnomAD 0.00003 and 0.00004; ExAC 0.00009.
gnomAD v4.1: 72 of 1,613,702 alleles (0.0045%); highest among the groups gnomAD compares: Admixed American, 0.047%; no homozygotes.

Submissions (2):

Ambry Genetics
Classification: Uncertain significance. Last evaluated: 2025-05-05. Review status: criteria provided, single submitter. Criteria: Ambry Variant Classification Scheme 2023. Collection method: clinical testing. Allele origin: germline.

Labcorp Genetics (formerly Invitae), Labcorp
Classification: Uncertain significance. Last evaluated: 2022-07-14. Review status: criteria provided, single submitter. Criteria: Invitae Variant Classification Sherloc (09022015). Collection method: clinical testing. Allele origin: germline.
Comment: This sequence change replaces threonine, which is neutral and polar, with methionine, which is neutral and non-polar, at codon 786 of the FCHO1 protein (p.Thr786Met). The frequency data for this variant in the population databases is considered unreliable, as metrics indicate poor data quality at this position in the gnomAD database. This variant has not been reported in the literature in individuals affected with FCHO1-related conditions. ClinVar contains an entry for this variant (Variation ID: 1405277). Algorithms developed to predict the effect of missense changes on protein structure and function are either unavailable or do not agree on the potential impact of this missense change (SIFT: "Tolerated"; PolyPhen-2: "Probably Damaging"; Align-GVGD: "Class C0"). In summary, the available evidence is currently insufficient to determine the role of this variant in disease. Therefore, it has been classified as a Variant of Uncertain Significance.